The following is an entry in ClinVar:

NM_001164508.2(NEB):c.8899A>C (p.Thr2967Pro)

Gene: NEB (nebulin; minus strand). Cytogenetic location: 2q23.3.
Variant type: single nucleotide variant.
Coding change: c.8899A>C on transcript NM_001164508.2 (MANE Select); coding-DNA position 8899, A replaced by C.
Protein change: p.Thr2967Pro; replaces threonine 2967 with proline.
Molecular consequence: missense variant. On other transcripts: intron variant (1).
Genome position (GRCh38, 1-based): chr2:151,639,375, T>G on the plus strand (A>C on the coding strand, the complement: NEB is on the minus strand). VCF-style: chr2-151639375-T-G. GRCh37 (hg19) VCF-style: chr2-152495889-T-G.
Other names: c.8899A>C, p.Thr2967Pro (NM_001164507.2, NM_001271208.2); c.8853+518A>C (NM_004543.5); short protein forms T2967P.
Identifiers: ClinVar variation 5003232 (VCV005003232.1).

ClinVar aggregate classification (germline): Uncertain significance (1 of 4 stars; one submission).

Conditions:
Nemaline myopathy 2 (NEM2). Also called: Nemaline myopathy 2, autosomal recessive. Identifiers: MedGen C1850569, MONDO:0009725, OMIM 256030.

Submission:

Myriad Genetics, Inc.
Classification: Uncertain significance for Nemaline myopathy 2. Last evaluated: 2026-06-30. Review status: criteria provided, single submitter. Criteria: Myriad Autosomal Dominant, Autosomal Recessive and X-Linked Classification Criteria (2023). Collection method: clinical testing. Allele origin: unknown.
Comment: NM_001271208.1(NEB):c.8899A>C(T2967P) is a missense variant classified as a variant of uncertain significance in the context of NEB-related nemaline myopathy. T2967P has been observed in a case with relevant disease (PMID: 27105866). Relevant functional assessments of this variant are not available in the literature. T2967P has not been observed in referenced population frequency databases. In summary, there is insufficient evidence to classify NM_001271208.1(NEB):c.8899A>C(T2967P) as pathogenic or benign. Please note: this variant was assessed in the context of healthy population screening.

Literature cited by the submitters: PubMed 27105866.